The following is an entry in ClinVar:

ClinVar aggregate classification (germline): Benign (1 of 4 stars; one submission).

Conditions:
ATP11A-related disorder. Also called: ATP11A-related condition.

gnomAD v4.1: 401 of 1,613,632 alleles (0.025%); highest among the groups gnomAD compares: African/African-American, 0.45%; no homozygotes.

Submission:

PreventionGenetics, part of Exact Sciences
Classification: Benign for ATP11A-related condition. Last evaluated: 2025-06-17. Review status: criteria provided, single submitter. Criteria: ACMG Guidelines, 2015. Collection method: clinical testing. Allele origin: germline.
Comment: This variant is classified as benign based on ACMG/AMP sequence variant interpretation guidelines (Richards et al. 2015 PMID: 25741868, with internal and published modifications).

NM_015205.3(ATP11A):c.693C>T (p.Asn231=)

Gene: ATP11A (ATPase phospholipid transporting 11A; plus strand). Cytogenetic location: 13q34.
Variant type: single nucleotide variant.
Coding change: c.693C>T on transcript NM_015205.3 (MANE Select); coding-DNA position 693, C replaced by T.
Protein change: p.Asn231=; no amino-acid change (asparagine 231 retained).
Molecular consequence: synonymous variant.
Genome position (GRCh38, 1-based): chr13:112,819,918, C>T. VCF-style: chr13-112819918-C-T. GRCh37 (hg19) VCF-style: chr13-113474232-C-T.
Other names: c.693C>T, p.Asn231= (NM_001405661.1, NM_001405662.1, NM_001405663.1 and 1 more transcripts).
Identifiers: ClinVar variation 4984069 (VCV004984069.1).
Genomic context (GRCh38, chr13:112,819,918, plus strand): 5'-GCTGGGCGCGTCCGGTCAGTAACGTGGCTTTTCTGTCGCCAGGTTCGTGGGTCGCATCAA[C>T]GTTTACAGTGACCTGAATGACCCCGTGGTGAGGTGAGTGCCTCTGCGGATGCCTTGGCCA-3'
Protein context (NP_056020.2, residues 221-241): PDLYKFVGRI[Asn231=]VYSDLNDPVV